The following is an entry in ClinVar:

NM_138295.5(PKD1L1):c.3671A>T (p.His1224Leu)

Gene: PKD1L1 (polycystin 1 like 1, transient receptor potential channel interacting; minus strand). Cytogenetic location: 7p12.3.
Variant type: single nucleotide variant.
Coding change: c.3671A>T on transcript NM_138295.5 (MANE Select); coding-DNA position 3671, A replaced by T.
Protein change: p.His1224Leu; replaces histidine 1224 with leucine.
Molecular consequence: missense variant.
Genome position (GRCh38, 1-based): chr7:47,876,210, T>A on the plus strand (A>T on the coding strand, the complement: PKD1L1 is on the minus strand). VCF-style: chr7-47876210-T-A. GRCh37 (hg19) VCF-style: chr7-47915808-T-A.
Other names: short protein forms H1224L.
Identifiers: ClinVar variation 2401828 (VCV002401828.4), dbSNP rs746837547, ClinGen allele CA4253330.

ClinVar aggregate classification (germline): Uncertain significance. Review status: criteria provided, multiple submitters, no conflicts (2 of 4 stars). 2 submissions from 2 submitters: Uncertain significance (2). Last evaluated 2024-10-07.

Conditions:
Inborn genetic diseases. Identifiers: MedGen C0950123, MeSH D030342.

Allele frequency attached by ClinVar (database versions not stated): ExAC 0.00002; gnomAD 0.00004; TOPMed 0.00004.
gnomAD v4.1: 61 of 1,613,884 alleles (0.0038%); highest among the groups gnomAD compares: Non-Finnish European, 0.0046%; no homozygotes.

Submissions (2):

Labcorp Genetics (formerly Invitae), Labcorp
Classification: Uncertain significance. Last evaluated: 2024-10-07. Review status: criteria provided, single submitter. Criteria: Invitae Variant Classification Sherloc (09022015). Collection method: clinical testing. Allele origin: germline.
Comment: This sequence change replaces histidine, which is basic and polar, with leucine, which is neutral and non-polar, at codon 1224 of the PKD1L1 protein (p.His1224Leu). This variant is present in population databases (rs746837547, gnomAD 0.009%). This variant has not been reported in the literature in individuals affected with PKD1L1-related conditions. ClinVar contains an entry for this variant (Variation ID: 2401828). Invitae Evidence Modeling of protein sequence and biophysical properties (such as structural, functional, and spatial information, amino acid conservation, physicochemical variation, residue mobility, and thermodynamic stability) indicates that this missense variant is not expected to disrupt PKD1L1 protein function with a negative predictive value of 80%. In summary, the available evidence is currently insufficient to determine the role of this variant in disease. Therefore, it has been classified as a Variant of Uncertain Significance.

Ambry Genetics
Classification: Uncertain significance for Inborn genetic diseases. Last evaluated: 2021-12-03. Review status: criteria provided, single submitter. Criteria: Ambry Variant Classification Scheme 2023. Collection method: clinical testing. Allele origin: germline.